The following is an entry in ClinVar:

NM_000059.4(BRCA2):c.4366G>A (p.Glu1456Lys)

Gene: BRCA2 (BRCA2 DNA repair associated; plus strand). Cytogenetic location: 13q13.1.
Variant type: single nucleotide variant.
Coding change: c.4366G>A on transcript NM_000059.4 (MANE Select); coding-DNA position 4366, G replaced by A.
Protein change: p.Glu1456Lys; replaces glutamic acid 1456 with lysine.
Molecular consequence: missense variant.
Genome position (GRCh38, 1-based): chr13:32,338,721, G>A. VCF-style: chr13-32338721-G-A. GRCh37 (hg19) VCF-style: chr13-32912858-G-A.
Other names: short protein forms E1456K.
Identifiers: ClinVar variation 232573 (VCV000232573.18), dbSNP rs876659847, ClinGen allele CA10579613.

ClinVar aggregate classification (germline): Conflicting classifications of pathogenicity. Review status: criteria provided, conflicting classifications (1 of 4 stars). 5 submissions from 5 submitters: Uncertain significance (4); Likely benign (1). Last evaluated 2025-01-13.

Conditions:
Hereditary cancer-predisposing syndrome. Also called: Hereditary Cancer Syndrome; Neoplastic Syndromes, Hereditary; Tumor predisposition; Hereditary neoplastic syndrome. Identifiers: Orphanet 140162, MedGen C0027672, MeSH D009386, MONDO:0015356.
Breast-ovarian cancer, familial, susceptibility to, 2 (BROVCA2). Also called: BRCA2 Hereditary Breast and Ovarian Cancer. Identifiers: Orphanet 145, MedGen C2675520, MONDO:0012933, OMIM 612555. Disease mechanism: loss of function.
Hereditary breast ovarian cancer syndrome. Also called: Hereditary breast and/or ovarian cancer syndrome; BRCA1- and BRCA2-Associated Hereditary Breast and Ovarian Cancer; Hereditary breast and ovarian cancer syndrome (HBOC); Hereditary breast and ovarian cancer; Hereditary breast and ovarian cancer syndrome; Breast and ovarian cancer. Identifiers: Orphanet 145, MedGen C0677776, MeSH D061325, MONDO:0003582. Disease mechanism: loss of function.

Allele frequency attached by ClinVar (database versions not stated): gnomAD exomes below 0.00001.
gnomAD v4.1: 1 of 1,597,970 alleles (0.000063%); highest among the groups gnomAD compares: African/African-American, 0.0013%; no homozygotes.

Submissions (5):

Labcorp Genetics (formerly Invitae), Labcorp
Classification: Uncertain significance for Hereditary breast ovarian cancer syndrome. Last evaluated: 2025-01-13. Review status: criteria provided, single submitter. Criteria: Invitae Variant Classification Sherloc (09022015). Collection method: clinical testing. Allele origin: germline.
Comment: This sequence change replaces glutamic acid, which is acidic and polar, with lysine, which is basic and polar, at codon 1456 of the BRCA2 protein (p.Glu1456Lys). This variant is present in population databases (no rsID available, gnomAD 0.007%). This missense change has been observed in individual(s) with breast cancer (PMID: 35264596). ClinVar contains an entry for this variant (Variation ID: 232573). Invitae Evidence Modeling of protein sequence and biophysical properties (such as structural, functional, and spatial information, amino acid conservation, physicochemical variation, residue mobility, and thermodynamic stability) indicates that this missense variant is not expected to disrupt BRCA2 protein function with a negative predictive value of 95%. In summary, the available evidence is currently insufficient to determine the role of this variant in disease. Therefore, it has been classified as a Variant of Uncertain Significance.

Ambry Genetics
Classification: Uncertain significance for Hereditary cancer-predisposing syndrome. Last evaluated: 2023-05-25. Review status: criteria provided, single submitter. Criteria: Ambry Variant Classification Scheme 2023. Collection method: clinical testing. Allele origin: germline.
Comment: The p.E1456K variant (also known as c.4366G>A), located in coding exon 10 of the BRCA2 gene, results from a G to A substitution at nucleotide position 4366. The glutamic acid at codon 1456 is replaced by lysine, an amino acid with similar properties. In a study of unselected Japanese breast cancer patients, this alteration was detected in 1/12490 male controls but not detected in 7051 breast cancer patients or in 11241 female controls (Momozawa Y et al. Nat Commun, 2018 10;9:4083). This alteration was also detected in a cohort of 1663 Brazilian breast cancer patients who underwent hereditary multigene panel testing (Guindalini RSC et al. Sci Rep, 2022 Mar;12:4190). This amino acid position is well conserved in available vertebrate species. In addition, the in silico prediction for this alteration is inconclusive. Since supporting evidence is limited at this time, the clinical significance of this alteration remains unclear.

University of Washington Department of Laboratory Medicine, University of Washington
Classification: Likely benign for Hereditary cancer-predisposing syndrome. Last evaluated: 2023-03-23. Review status: criteria provided, single submitter. Criteria: Dines et al. (Genet Med. 2020). Collection method: curation. Allele origin: germline.
Comment: Missense variant in a coldspot region where missense variants are very unlikely to be pathogenic (PMID:31911673).

BRCA2 exon 11 coldspot. Reclassification based on statistical prior probability.

Mendelics
Classification: Uncertain significance for Breast-ovarian cancer, familial, susceptibility to, 2. Last evaluated: 2019-05-28. Review status: criteria provided, single submitter. Criteria: Mendelics Assertion Criteria 2017. Collection method: clinical testing. Allele origin: unknown.

GeneDx
Classification: Uncertain significance. Last evaluated: 2015-09-04. Review status: criteria provided, single submitter. Criteria: GeneDx Variant Classification (06012015). Collection method: clinical testing. Allele origin: germline. Affected: yes.
Comment: This variant is denoted BRCA2 c.4366G>A at the cDNA level, p.Glu1456Lys (E1456K) at the protein level, and results in the change of a Glutamic Acid to a Lysine (GAA>AAA). Using alternate nomenclature, this variant would be defined as BRCA2 4594G>A. This variant has not, to our knowledge, been published in the literature as pathogenic or benign. BRCA2 Glu1456Lys was not observed in approximately 6,500 individuals of European and African American ancestry in the NHLBI Exome Sequencing Project, indicating it is not a common benign variant in these populations. Since Glutamic Acid and Lysine differ in polarity, charge, size or other properties, this is considered a non-conservative amino acid substitution. BRCA2 Glu1456Lys occurs at a position that is not conserved and is located in a region of interaction with POLH and required for stimulation of POLH DNA polymerization activity (UniProt). In silico analyses are inconsistent regarding the effect this variant may have on protein structure and function. Based on currently available information, it is unclear whether BRCA2 Glu1456Lys is pathogenic or benign. We consider it to be a variant of uncertain significance.

Literature cited by the submitters: PubMed 35264596 (cited by Labcorp Genetics (formerly Invitae), Labcorp and Ambry Genetics); PubMed 30287823 (cited by Ambry Genetics).